The following is an entry in ClinVar:

ClinVar aggregate classification (germline): Uncertain significance (1 of 4 stars; one submission).

Conditions:
Familial sleep-related hypermotor epilepsy. Also called: Autosomal Dominant Sleep-Related Hypermotor (Hyperkinetic) Epilepsy. Identifiers: Orphanet 98784, MedGen C3696898, MONDO:0000030.

Submission:

Labcorp Genetics (formerly Invitae), Labcorp
Classification: Uncertain significance. Last evaluated: 2022-09-13. Review status: criteria provided, single submitter. Criteria: Invitae Variant Classification Sherloc (09022015). Collection method: clinical testing. Allele origin: germline.
Comment: This variant is not present in population databases (gnomAD no frequency). This sequence change replaces proline, which is neutral and non-polar, with glutamine, which is neutral and polar, at codon 542 of the CHRNA4 protein (p.Pro542Gln). This variant has not been reported in the literature in individuals affected with CHRNA4-related conditions. Advanced modeling of protein sequence and biophysical properties (such as structural, functional, and spatial information, amino acid conservation, physicochemical variation, residue mobility, and thermodynamic stability) performed at Invitae indicates that this missense variant is not expected to disrupt CHRNA4 protein function. In summary, the available evidence is currently insufficient to determine the role of this variant in disease. Therefore, it has been classified as a Variant of Uncertain Significance.

NM_000744.7(CHRNA4):c.1625C>A (p.Pro542Gln)

Gene: CHRNA4 (cholinergic receptor nicotinic alpha 4 subunit; minus strand). Cytogenetic location: 20q13.33.
Variant type: single nucleotide variant.
Coding change: c.1625C>A on transcript NM_000744.7 (MANE Select); coding-DNA position 1625, C replaced by A.
Protein change: p.Pro542Gln; replaces proline 542 with glutamine.
Molecular consequence: missense variant. On other transcripts: non-coding transcript variant (1).
Genome position (GRCh38, 1-based): chr20:63,349,786, G>T on the plus strand (C>A on the coding strand, the complement: CHRNA4 is on the minus strand). VCF-style: chr20-63349786-G-T. GRCh37 (hg19) VCF-style: chr20-61981138-G-T.
Other names: c.1097C>A, p.Pro366Gln (NM_001256573.2); short protein forms P366Q, P542Q.
Identifiers: ClinVar variation 1719327 (VCV001719327.5), dbSNP rs121912281, ClinGen allele CA409632615.